The following is an entry in ClinVar:

NM_022089.4(ATP13A2):c.3271G>A (p.Val1091Ile)

Gene: ATP13A2 (ATPase cation transporting 13A2; minus strand). Cytogenetic location: 1p36.13.
Variant type: single nucleotide variant.
Coding change: c.3271G>A on transcript NM_022089.4 (MANE Select); coding-DNA position 3271, G replaced by A.
Protein change: p.Val1091Ile; replaces valine 1091 with isoleucine.
Molecular consequence: missense variant. On other transcripts: intron variant (1).
Genome position (GRCh38, 1-based): chr1:16,986,597, C>T on the plus strand (G>A on the coding strand, the complement: ATP13A2 is on the minus strand). VCF-style: chr1-16986597-C-T. GRCh37 (hg19) VCF-style: chr1-17313092-C-T.
Other names: c.3256G>A, p.Val1086Ile (NM_001141973.3); c.3103+208G>A (NM_001141974.3); short protein forms V1086I, V1091I.
Identifiers: ClinVar variation 1729631 (VCV001729631.7), dbSNP rs541932176, ClinGen allele CA636532.

ClinVar aggregate classification (germline): Conflicting classifications of pathogenicity. Review status: criteria provided, conflicting classifications (1 of 4 stars). 2 submissions from 2 submitters: Uncertain significance (1); Likely benign (1). Last evaluated 2022-06-14.

Conditions:
Kufor-Rakeb syndrome (KRS). Also called: PARKINSON DISEASE 9, AUTOSOMAL RECESSIVE, JUVENILE-ONSET. Identifiers: Orphanet 306674, Orphanet 314632, MedGen C1847640, MONDO:0011706, OMIM 606693.
Autosomal recessive spastic paraplegia type 78. Identifiers: Orphanet 513436, MedGen C5567893, MONDO:0014975, OMIM 617225.
Inborn genetic diseases. Identifiers: MedGen C0950123, MeSH D030342.

Allele frequency attached by ClinVar (database versions not stated): gnomAD exomes 0.00001; TOPMed 0.00001; gnomAD 0.00002; ExAC 0.00004; 1000 Genomes Project 30x 0.00016; 1000 Genomes Project 0.00020.
gnomAD v4.1: 10 of 1,611,208 alleles (0.00062%); highest among the groups gnomAD compares: East Asian, 0.0067%; no homozygotes.

Submissions (2):

Labcorp Genetics (formerly Invitae), Labcorp
Classification: Uncertain significance for Kufor-Rakeb syndrome; Autosomal recessive spastic paraplegia type 78. Last evaluated: 2022-06-14. Review status: criteria provided, single submitter. Criteria: Invitae Variant Classification Sherloc (09022015). Collection method: clinical testing. Allele origin: germline.
Comment: In summary, the available evidence is currently insufficient to determine the role of this variant in disease. Therefore, it has been classified as a Variant of Uncertain Significance. Advanced modeling of protein sequence and biophysical properties (such as structural, functional, and spatial information, amino acid conservation, physicochemical variation, residue mobility, and thermodynamic stability) performed at Invitae indicates that this missense variant is not expected to disrupt ATP13A2 protein function. This variant has not been reported in the literature in individuals affected with ATP13A2-related conditions. This variant is present in population databases (rs541932176, gnomAD 0.01%). This sequence change replaces valine, which is neutral and non-polar, with isoleucine, which is neutral and non-polar, at codon 1091 of the ATP13A2 protein (p.Val1091Ile).

Ambry Genetics
Classification: Likely benign for Inborn genetic diseases. Last evaluated: 2018-05-17. Review status: criteria provided, single submitter. Criteria: Ambry Variant Classification Scheme 2023. Collection method: clinical testing. Allele origin: germline.